The following is an entry in ClinVar:

NM_000038.6(APC):c.4042A>G (p.Arg1348Gly)

Gene: APC (APC regulator of Wnt signaling pathway; plus strand). Cytogenetic location: 5q22.2.
Variant type: single nucleotide variant.
Coding change: c.4042A>G on transcript NM_000038.6 (MANE Select); coding-DNA position 4042, A replaced by G.
Protein change: p.Arg1348Gly; replaces arginine 1348 with glycine.
Molecular consequence: missense variant.
Genome position (GRCh38, 1-based): chr5:112,839,636, A>G. VCF-style: chr5-112839636-A-G. GRCh37 (hg19) VCF-style: chr5-112175333-A-G.
Other names: c.4042A>G, p.Arg1348Gly (NM_001127510.3, NM_001354895.2); c.3988A>G, p.Arg1330Gly (NM_001127511.3); c.4096A>G, p.Arg1366Gly (NM_001354896.2); c.4072A>G, p.Arg1358Gly (NM_001354897.2); c.3967A>G, p.Arg1323Gly (NM_001354898.2); c.3958A>G, p.Arg1320Gly (NM_001354899.2); c.3919A>G, p.Arg1307Gly (NM_001354900.2); c.3865A>G, p.Arg1289Gly (NM_001354901.2); and 5 more; short protein forms R1330G, R1348G, R1188G, R1320G, R1366G, R1222G, R1065G, R1247G.
Identifiers: ClinVar variation 629198 (VCV000629198.14), dbSNP rs1561589381, ClinGen allele CA16030189.

ClinVar aggregate classification (germline): Uncertain significance. Review status: criteria provided, multiple submitters, no conflicts (2 of 4 stars). 3 submissions from 3 submitters: Uncertain significance (3). Last evaluated 2024-09-23.

Conditions:
Classic or attenuated familial adenomatous polyposis. Identifiers: MedGen CN372698, MONDO:0021057.
Hereditary cancer-predisposing syndrome. Also called: Neoplastic Syndromes, Hereditary; Tumor predisposition; Hereditary neoplastic syndrome; Hereditary Cancer Syndrome. Identifiers: Orphanet 140162, MedGen C0027672, MeSH D009386, MONDO:0015356.
Familial adenomatous polyposis 1 (FAP1). Also called: POLYPOSIS, ADENOMATOUS INTESTINAL; FAMILIAL ADENOMATOUS POLYPOSIS 1, ATTENUATED. Identifiers: MedGen C2713442, MONDO:0021056, OMIM 175100. Disease mechanism: loss of function.

Submissions (3):

All of Us Research Program, National Institutes of Health
Classification: Uncertain significance for Classic or attenuated familial adenomatous polyposis. Last evaluated: 2024-09-23. Review status: criteria provided, single submitter. Criteria: ACMG Guidelines, 2015. Collection method: clinical testing. Allele origin: germline. Inheritance: Autosomal dominant inheritance. Observed: 1 variant allele, 1 heterozygote.
Comment: This study involves interpretation of variants in research participants for the purpose of population health screening. Participant phenotype was not available at the time of variant classification. Additional details can be found in publication PMID: 35346344, PMCID: PMC8962531

Labcorp Genetics (formerly Invitae), Labcorp
Classification: Uncertain significance for Familial adenomatous polyposis 1. Last evaluated: 2024-09-23. Review status: criteria provided, single submitter. Criteria: Invitae Variant Classification Sherloc (09022015). Collection method: clinical testing. Allele origin: germline.
Comment: This sequence change replaces arginine, which is basic and polar, with glycine, which is neutral and non-polar, at codon 1348 of the APC protein (p.Arg1348Gly). This variant is not present in population databases (gnomAD no frequency). This variant has not been reported in the literature in individuals affected with APC-related conditions. ClinVar contains an entry for this variant (Variation ID: 629198). Invitae Evidence Modeling of protein sequence and biophysical properties (such as structural, functional, and spatial information, amino acid conservation, physicochemical variation, residue mobility, and thermodynamic stability) indicates that this missense variant is not expected to disrupt APC protein function with a negative predictive value of 95%. In summary, the available evidence is currently insufficient to determine the role of this variant in disease. Therefore, it has been classified as a Variant of Uncertain Significance.

Color Diagnostics, LLC DBA Color Health
Classification: Uncertain significance for Hereditary cancer-predisposing syndrome. Last evaluated: 2023-12-05. Review status: criteria provided, single submitter. Criteria: ACMG Guidelines, 2015. Collection method: clinical testing. Allele origin: germline.
Comment: This missense variant replaces arginine with glycine at codon 1348 of the APC protein. Computational prediction suggests that this variant may not impact protein structure and function (internally defined REVEL score threshold <= 0.5, PMID: 27666373). To our knowledge, functional studies have not been reported for this variant. This variant has not been reported in individuals affected with APC-related disorders in the literature. This variant has not been identified in the general population by the Genome Aggregation Database (gnomAD). The available evidence is insufficient to determine the role of this variant in disease conclusively. Therefore, this variant is classified as a Variant of Uncertain Significance.